The following is an entry in ClinVar:

ClinVar aggregate classification (germline): Uncertain significance (1 of 4 stars; one submission).

Submission:

Labcorp Genetics (formerly Invitae), Labcorp
Classification: Uncertain significance. Last evaluated: 2021-12-22. Review status: criteria provided, single submitter. Criteria: Invitae Variant Classification Sherloc (09022015). Collection method: clinical testing. Allele origin: germline.
Comment: In summary, the available evidence is currently insufficient to determine the role of this variant in disease. Therefore, it has been classified as a Variant of Uncertain Significance. Algorithms developed to predict the effect of missense changes on protein structure and function are either unavailable or do not agree on the potential impact of this missense change (SIFT: "Deleterious"; PolyPhen-2: "Probably Damaging"; Align-GVGD: "Class C15"). This variant has not been reported in the literature in individuals affected with DRP2-related conditions. This variant is not present in population databases (gnomAD no frequency). This sequence change replaces leucine, which is neutral and non-polar, with phenylalanine, which is neutral and non-polar, at codon 503 of the DRP2 protein (p.Leu503Phe).

NM_001939.3(DRP2):c.1509G>C (p.Leu503Phe)

Gene: DRP2 (dystrophin related protein 2; plus strand). Cytogenetic location: Xq22.1.
Variant type: single nucleotide variant.
Coding change: c.1509G>C on transcript NM_001939.3 (MANE Select); coding-DNA position 1509, G replaced by C.
Protein change: p.Leu503Phe; replaces leucine 503 with phenylalanine.
Molecular consequence: missense variant.
Genome position (GRCh38, 1-based): chrX:101,248,568, G>C. VCF-style: chrX-101248568-G-C. GRCh37 (hg19) VCF-style: chrX-100503557-G-C.
Other names: c.1275G>C, p.Leu425Phe (NM_001171184.2); short protein forms L425F, L503F.
Identifiers: ClinVar variation 2052722 (VCV002052722.4), dbSNP rs149294275, ClinGen allele CA413927302.